The following is an entry in ClinVar:

ClinVar aggregate classification (germline): Uncertain significance (1 of 4 stars; one submission).

Conditions:
Short-rib thoracic dysplasia 6 with or without polydactyly (SRTD6). Also called: POLYDACTYLY WITH NEONATAL CHONDRODYSTROPHY, TYPE II; SHORT RIB-POLYDACTYLY SYNDROME, TYPE IIA; SHORT-RIB THORACIC DYSPLASIA 6 WITH POLYDACTYLY; SHORT-RIB THORACIC DYSPLASIA 6 WITHOUT POLYDACTYLY; Majewski Syndrome. Identifiers: MedGen C0024507, MONDO:0009894, OMIM 263520.

Submission:

Labcorp Genetics (formerly Invitae), Labcorp
Classification: Uncertain significance for Short-rib thoracic dysplasia 6 with or without polydactyly. Last evaluated: 2024-03-04. Review status: criteria provided, single submitter. Criteria: Invitae Variant Classification Sherloc (09022015). Collection method: clinical testing. Allele origin: germline.
Comment: This sequence change falls in intron 14 of the NEK1 gene. It does not directly change the encoded amino acid sequence of the NEK1 protein. It affects a nucleotide within the consensus splice site. This variant is present in population databases (rs775525607, gnomAD 0.002%). This variant has not been reported in the literature in individuals affected with NEK1-related conditions. Variants that disrupt the consensus splice site are a relatively common cause of aberrant splicing (PMID: 17576681, 9536098). Algorithms developed to predict the effect of sequence changes on RNA splicing suggest that this variant is not likely to affect RNA splicing. In summary, the available evidence is currently insufficient to determine the role of this variant in disease. Therefore, it has been classified as a Variant of Uncertain Significance.

Literature cited by the submitters: PubMed 17576681; PubMed 9536098.

NM_001199397.3(NEK1):c.1191+6_1191+7del

Gene: NEK1 (NIMA related kinase 1; minus strand). Cytogenetic location: 4q33.
Variant type: Microsatellite.
Coding change: c.1191+6_1191+7del on transcript NM_001199397.3 (MANE Select); bases 6 to 7 of the intron after coding-DNA position 1191, 2 bases deleted (AG; older notation c.1191+6_1191+7delAG).
Molecular consequence: intron variant.
Genome position (GRCh38, 1-based): chr4:169,561,680-169,561,681, CT deleted on the plus strand (AG on the coding strand, the reverse complement: NEK1 is on the minus strand); deleting any 2 consecutive bases within chr4:169,561,680-169,561,683 gives the same sequence; the c. name uses the placement nearest the transcript's 3' end. VCF-style (leftmost placement, unchanged base first): chr4-169561679-CCT-C. GRCh37 (hg19) VCF-style: chr4-170482830-CCT-C.
Other names: c.1140+151_1140+152del (NM_001374421.1); c.1141-127_1141-126del (NM_001374420.1); c.1191+6_1191+7del (NM_001199399.3, NM_001199398.3, NM_001374419.1 and 5 more transcripts).
Identifiers: ClinVar variation 3606435 (VCV003606435.2).